The following is an entry in ClinVar:

ClinVar aggregate classification (germline): Pathogenic (1 of 4 stars; one submission).

Conditions:
Severe combined immunodeficiency due to DCLRE1C deficiency (RS-SCID). Also called: SCID, AUTOSOMAL RECESSIVE, T CELL-NEGATIVE, B CELL-NEGATIVE, NK CELL-POSITIVE, WITH SENSITIVITY TO IONIZING RADIATION. Identifiers: Orphanet 275, MedGen C1865371, MONDO:0011225, OMIM 602450.

Submission:

Labcorp Genetics (formerly Invitae), Labcorp
Classification: Pathogenic for Athabaskan severe combined immunodeficiency. Last evaluated: 2022-02-04. Review status: criteria provided, single submitter. Criteria: Invitae Variant Classification Sherloc (09022015). Collection method: clinical testing. Allele origin: germline.
Comment: This sequence change creates a premature translational stop signal (p.Trp267*) in the DCLRE1C gene. It is expected to result in an absent or disrupted protein product. Loss-of-function variants in DCLRE1C are known to be pathogenic (PMID: 21664875, 26123418). For these reasons, this variant has been classified as Pathogenic. This variant has not been reported in the literature in individuals affected with DCLRE1C-related conditions. This variant is not present in population databases (gnomAD no frequency).

Literature cited by the submitters: PubMed 21664875; PubMed 26123418.

NM_001033855.3(DCLRE1C):c.801G>A (p.Trp267Ter)

Gene: DCLRE1C (DNA cross-link repair 1C; minus strand). Cytogenetic location: 10p13.
Variant type: single nucleotide variant.
Coding change: c.801G>A on transcript NM_001033855.3 (MANE Select); coding-DNA position 801, G replaced by A.
Protein change: p.Trp267Ter; replaces tryptophan 267 with a stop codon.
Molecular consequence: nonsense. On other transcripts: non-coding transcript variant (4).
Genome position (GRCh38, 1-based): chr10:14,928,132, C>T on the plus strand (G>A on the coding strand, the complement: DCLRE1C is on the minus strand). VCF-style: chr10-14928132-C-T. GRCh37 (hg19) VCF-style: chr10-14970131-C-T.
Other names: c.441G>A, p.Trp147Ter (NM_001033857.3, NM_001033858.3, NM_001289077.2 and 2 more transcripts); c.456G>A, p.Trp152Ter (NM_001289076.2, NM_001289078.2, NM_001350966.2 and 1 more transcripts); c.801G>A, p.Trp267Ter (NM_001350965.2); short protein forms W152*, W147*, W267*.
Identifiers: ClinVar variation 1453759 (VCV001453759.6), dbSNP rs2130853055, ClinGen allele CA376056127.
Genomic context (GRCh38, chr10:14,928,132, plus strand): 5'-AATGCTGATTATGTGGAGTGGAATTCTATTTCTGGAAGTAATTCCACAGGGTAATTTGCT[C>T]CACTGAAAATATTCCTCTGCCTAAAAAAGATAAAAAGCATAGAAAAACAGTTCTACATTT-3'